The following is an entry in ClinVar:

ClinVar aggregate classification (germline): Uncertain significance. Review status: criteria provided, multiple submitters, no conflicts (2 of 4 stars). 2 submissions from 2 submitters: Uncertain significance (2). Last evaluated 2025-09-11.

gnomAD v4.1: 3 of 1,613,930 alleles (0.00019%); highest among the groups gnomAD compares: African/African-American, 0.004%; 1 homozygote.

Submissions (2):

Ambry Genetics
Classification: Uncertain significance. Last evaluated: 2025-09-11. Review status: criteria provided, single submitter. Criteria: Ambry Variant Classification Scheme 2023. Collection method: clinical testing. Allele origin: germline.

Labcorp Genetics (formerly Invitae), Labcorp
Classification: Uncertain significance. Last evaluated: 2024-04-22. Review status: criteria provided, single submitter. Criteria: Invitae Variant Classification Sherloc (09022015). Collection method: clinical testing. Allele origin: germline.
Comment: This sequence change replaces glycine, which is neutral and non-polar, with valine, which is neutral and non-polar, at codon 1374 of the A2ML1 protein (p.Gly1374Val). This variant is present in population databases (no rsID available, gnomAD 0.01%). This variant has not been reported in the literature in individuals affected with A2ML1-related conditions. An algorithm developed to predict the effect of missense changes on protein structure and function (PolyPhen-2) suggests that this variant is likely to be disruptive. In summary, the available evidence is currently insufficient to determine the role of this variant in disease. Therefore, it has been classified as a Variant of Uncertain Significance.

NM_144670.6(A2ML1):c.4121G>T (p.Gly1374Val)

Gene: A2ML1 (alpha-2-macroglobulin like 1; plus strand). Cytogenetic location: 12p13.31.
Variant type: single nucleotide variant.
Coding change: c.4121G>T on transcript NM_144670.6 (MANE Select); coding-DNA position 4121, G replaced by T.
Protein change: p.Gly1374Val; replaces glycine 1374 with valine.
Molecular consequence: missense variant.
Genome position (GRCh38, 1-based): chr12:8,868,596, G>T. VCF-style: chr12-8868596-G-T. GRCh37 (hg19) VCF-style: chr12-9021192-G-T.
Other names: c.4121G>T (NM_144670.3); c.2648G>T, p.Gly883Val (NM_001282424.3); short protein forms G1374V, G883V.
Identifiers: ClinVar variation 3706156 (VCV003706156.3).
Genomic context (GRCh38, chr12:8,868,596, plus strand): 5'-GTTATGTGGGGAGCCGTAGCTCTTCCAATATGGCTATTGTGGAAGTGAAGATGCTATCTG[G>T]GTTCAGTCCCATGGAGGGCACCAATCAGTTAGTAAGTTACTTCTGTTTTCTTCATTTATC-3'
Protein context (NP_653271.3, residues 1364-1384): MAIVEVKMLS[Gly1374Val]FSPMEGTNQL